The following is an entry in ClinVar:

NM_170682.4(P2RX2):c.1198G>C (p.Gly400Arg)

Gene: P2RX2 (purinergic receptor P2X 2; plus strand). Cytogenetic location: 12q24.33.
Variant type: single nucleotide variant.
Coding change: c.1198G>C on transcript NM_170682.4 (MANE Select); coding-DNA position 1198, G replaced by C.
Protein change: p.Gly400Arg; replaces glycine 400 with arginine.
Molecular consequence: missense variant. On other transcripts: 3 prime UTR variant (1), intron variant (2).
Genome position (GRCh38, 1-based): chr12:132,621,754, G>C. VCF-style: chr12-132621754-G-C. GRCh37 (hg19) VCF-style: chr12-133198340-G-C.
Other names: c.*245G>C (NM_001282165.2); c.982G>C, p.Gly328Arg (NM_012226.5); c.1126G>C, p.Gly376Arg (NM_016318.4); c.1276G>C, p.Gly426Arg (NM_170683.4); c.922G>C, p.Gly308Arg (NM_174872.3); c.1140+58G>C (NM_174873.3); c.1038+58G>C (NM_001282164.2); c.1276G>C (NM_170683.2); short protein forms G328R, G308R, G376R, G426R, G400R.
Identifiers: ClinVar variation 451537 (VCV000451537.4), dbSNP rs759939326, ClinGen allele CA246280853.

ClinVar aggregate classification (germline): Uncertain significance. Review status: criteria provided, multiple submitters, no conflicts (2 of 4 stars). 2 submissions from 2 submitters: Uncertain significance (2). Last evaluated 2023-09-14.

Allele frequency attached by ClinVar (database versions not stated): gnomAD exomes below 0.00001 and 0.00002; TOPMed below 0.00001; gnomAD 0.00001.
gnomAD v4.1: 23 of 1,605,550 alleles (0.0014%); highest among the groups gnomAD compares: Non-Finnish European, 0.002%; no homozygotes.

Submissions (2):

Ambry Genetics
Classification: Uncertain significance. Last evaluated: 2023-09-14. Review status: criteria provided, single submitter. Criteria: Ambry Variant Classification Scheme 2023. Collection method: clinical testing. Allele origin: germline.

GeneDx
Classification: Uncertain significance. Last evaluated: 2017-08-24. Review status: criteria provided, single submitter. Criteria: GeneDx Variant Classification (06012015). Collection method: clinical testing. Allele origin: germline. Affected: yes.
Comment: The G376R variant in the P2RX2 gene has not been reported previously as a pathogenic variant, nor as a benign variant, to our knowledge. The G376R variant is not observed in large population cohorts (Lek et al., 2016; 1000 Genomes Consortium et al., 2015; Exome Variant Server). The G376R variant is a non-conservative amino acid substitution, which is likely to impact secondary protein structure as these residues differ in polarity, charge, size and/or other properties. This substitution occurs at a position that is conserved in mammals. In silico analysis is inconsistent in its predictions as to whether or not the variant is damaging to the protein structure/function. We interpret G376R as a variant of uncertain significance.